The following is an entry in ClinVar:

ClinVar aggregate classification (germline): Uncertain significance (1 of 4 stars; one submission).

Submission:

GeneDx
Classification: Uncertain significance. Last evaluated: 2024-12-15. Review status: criteria provided, single submitter. Criteria: GeneDx Variant Classification Process June 2021. Collection method: clinical testing. Allele origin: germline. Affected: yes.
Comment: Not observed at significant frequency in large population cohorts (gnomAD); In silico analysis supports that this missense variant has a deleterious effect on protein structure/function; In silico analysis supports a deleterious effect on splicing; Has not been previously published as pathogenic or benign to our knowledge; This variant is associated with the following publications: (PMID: 25411445)

NM_016373.4(WWOX):c.86A>T (p.Asp29Val)

Gene: WWOX (WW domain containing oxidoreductase; plus strand). Cytogenetic location: 16q23.1.
Variant type: single nucleotide variant.
Coding change: c.86A>T on transcript NM_016373.4 (MANE Select); coding-DNA position 86, A replaced by T.
Protein change: p.Asp29Val; replaces aspartic acid 29 with valine.
Molecular consequence: missense variant. On other transcripts: 5 prime UTR variant (1), non-coding transcript variant (2).
Genome position (GRCh38, 1-based): chr16:78,099,864, A>T. VCF-style: chr16-78099864-A-T. GRCh37 (hg19) VCF-style: chr16-78133761-A-T.
Other names: c.-189A>T (NM_001291997.2); c.86A>T, p.Asp29Val (NM_130791.5); short protein forms D29V.
Identifiers: ClinVar variation 3902854 (VCV003902854.1).